The following is an entry in ClinVar:

ClinVar aggregate classification (germline): Conflicting classifications of pathogenicity. Review status: criteria provided, conflicting classifications (1 of 4 stars). 9 submissions from 9 submitters: Uncertain significance (7); Likely benign (1). 1 of the submissions does not count toward it. Last evaluated 2025-04-20.

Conditions:
Hereditary breast ovarian cancer syndrome. Also called: Breast and ovarian cancer; Hereditary breast and ovarian cancer; Hereditary breast and ovarian cancer syndrome; Hereditary breast and/or ovarian cancer syndrome; BRCA1- and BRCA2-Associated Hereditary Breast and Ovarian Cancer; Hereditary breast and ovarian cancer syndrome (HBOC). Identifiers: Orphanet 145, MedGen C0677776, MeSH D061325, MONDO:0003582. Disease mechanism: loss of function.
Breast-ovarian cancer, familial, susceptibility to, 1 (BROVCA1). Also called: BRCA1 Hereditary Breast and Ovarian Cancer; OVARIAN CANCER, SUSCEPTIBILITY TO. Identifiers: Orphanet 145, MedGen C2676676, MONDO:0011450, OMIM 604370. Disease mechanism: loss of function.
Malignant tumor of breast. Also called: Malignant breast neoplasm; Cancer breast. Identifiers: MedGen C0006142, MONDO:0007254. Disease mechanism: loss of function.
Hereditary cancer-predisposing syndrome. Also called: Tumor predisposition; Hereditary Cancer Syndrome; Neoplastic Syndromes, Hereditary; Hereditary neoplastic syndrome. Identifiers: Orphanet 140162, MedGen C0027672, MeSH D009386, MONDO:0015356.

Allele frequency attached by ClinVar (database versions not stated): gnomAD exomes below 0.00001; TOPMed below 0.00001.
gnomAD v4.1: 2 of 1,614,140 alleles (0.00012%); highest among the groups gnomAD compares: East Asian, 0.0022%; no homozygotes.

Submissions (9):

Ambry Genetics
Classification: Uncertain significance for Hereditary cancer-predisposing syndrome. Last evaluated: 2025-04-20. Review status: criteria provided, single submitter. Criteria: Ambry Variant Classification Scheme 2023. Collection method: clinical testing. Allele origin: germline.
Comment: The p.V419L variant (also known as c.1255G>C), located in coding exon 9 of the BRCA1 gene, results from a G to C substitution at nucleotide position 1255. The valine at codon 419 is replaced by leucine, an amino acid with highly similar properties. This alteration was identified in an individual with a personal and family history of breast cancer (Carney ME et al. Hawaii Med J 2010 Nov; 69(11):268-71). This amino acid position is not well conserved in available vertebrate species. In addition, the in silico prediction for this alteration is inconclusive. Since supporting evidence is limited at this time, the clinical significance of this alteration remains unclear.

Color Diagnostics, LLC DBA Color Health
Classification: Uncertain significance for Hereditary cancer-predisposing syndrome. Last evaluated: 2025-04-01. Review status: criteria provided, single submitter. Criteria: ACMG Guidelines, 2015. Collection method: clinical testing. Allele origin: germline.
Comment: This missense variant replaces valine with leucine at codon 419 of the BRCA1 protein. Computational prediction is inconclusive regarding the impact of this variant on protein structure and function. To our knowledge, functional studies have not been reported for this variant. This variant has been detected in a breast cancer case-control meta-analysis in 0/60466 cases and 2/53461 unaffected individuals (PMID: 33471991; Leiden Open Variation Database DB-ID BRCA1_006522), and it has also been reported in an individual affected with breast or ovarian cancer (PMID: 28364669). A multifactorial analysis has reported a likelihood ratio for pathogenicity based on personal and family history of 0.23 from log(LR)=-0.6378 for two carriers (PMID: 31853058). This variant has not been identified in the general population by the Genome Aggregation Database (gnomAD). The available evidence is insufficient to determine the role of this variant in disease conclusively. Therefore, this variant is classified as a Variant of Uncertain Significance.

All of Us Research Program, National Institutes of Health
Classification: Uncertain significance for Breast-ovarian cancer, familial, susceptibility to, 1. Last evaluated: 2023-12-18. Review status: criteria provided, single submitter. Criteria: ACMG Guidelines, 2015. Collection method: clinical testing. Allele origin: germline. Inheritance: Autosomal dominant inheritance. Observed: 2 variant alleles, 2 heterozygotes.
Comment: This missense variant replaces valine with leucine at codon 419 of the BRCA1 protein. Computational prediction is inconclusive regarding the impact of this variant on protein structure and function. To our knowledge, functional studies have not been reported for this variant. This variant has been detected in a breast cancer case-control meta-analysis in 0/60466 cases and 2/53461 unaffected individuals (PMID: 33471991; Leiden Open Variation Database DB-ID BRCA1_006522), and it has also been reported in an individual affected with breast or ovarian cancer (PMID: 28364669). This variant has not been identified in the general population by the Genome Aggregation Database (gnomAD). The available evidence is insufficient to determine the role of this variant in disease conclusively. Therefore, this variant is classified as a Variant of Uncertain Significance.

This study involves interpretation of variants in research participants for the purpose of population health screening. Participant phenotype was not available at the time of variant classification. Additional details can be found in publication PMID: 35346344, PMCID: PMC8962531

Labcorp Genetics (formerly Invitae), Labcorp
Classification: Uncertain significance for Hereditary breast ovarian cancer syndrome. Last evaluated: 2023-10-13. Review status: criteria provided, single submitter. Criteria: Invitae Variant Classification Sherloc (09022015). Collection method: clinical testing. Allele origin: germline.
Comment: This sequence change replaces valine, which is neutral and non-polar, with leucine, which is neutral and non-polar, at codon 419 of the BRCA1 protein (p.Val419Leu). This variant is not present in population databases (gnomAD no frequency). This missense change has been observed in individual(s) with breast cancer (PMID: 21218378). ClinVar contains an entry for this variant (Variation ID: 230967). Advanced modeling of protein sequence and biophysical properties (such as structural, functional, and spatial information, amino acid conservation, physicochemical variation, residue mobility, and thermodynamic stability) performed at Invitae indicates that this missense variant is not expected to disrupt BRCA1 protein function. In summary, the available evidence is currently insufficient to determine the role of this variant in disease. Therefore, it has been classified as a Variant of Uncertain Significance.

University of Washington Department of Laboratory Medicine, University of Washington
Classification: Likely benign for Hereditary cancer-predisposing syndrome. Last evaluated: 2023-03-23. Review status: criteria provided, single submitter. Criteria: Dines et al. (Genet Med. 2020). Collection method: curation. Allele origin: germline.
Comment: Missense variant in a coldspot region where missense variants are very unlikely to be pathogenic (PMID:31911673).

BRCA1 coldspot (exon 11 using historical exon numbering). Reclassification based on statistical prior probability

Blueprint Genetics
Classification: Uncertain significance. Last evaluated: 2022-09-16. Review status: criteria provided, single submitter. Criteria: ACMG Guidelines, 2015. Collection method: clinical testing. Allele origin: germline.

Quest Diagnostics Nichols Institute San Juan Capistrano
Classification: Uncertain significance. Last evaluated: 2021-05-21. Review status: criteria provided, single submitter. Criteria: Quest Diagnostics criteria. Collection method: clinical testing. Allele origin: unknown.

Women's Health and Genetics/Laboratory Corporation of America, LabCorp
Classification: Uncertain significance. Last evaluated: 2016-06-10. Review status: criteria provided, single submitter. Criteria: LabCorp Variant Classification Summary - May 2015. Collection method: clinical testing. Allele origin: germline.
Comment: Variant summary: The BRCA1 c.1255G>C (p.Val419Leu) variant involves the alteration of a non-conserved nucleotide. 3/5 in silico tools predict a benign outcome; functional studies had not been published at the time of variant classification. Additionally, one clinical lab classified the variant as a VUS. Taken together, the variant was classified as a variant of uncertain significance (VUS) until additional information becomes available.

Department of Pathology and Laboratory Medicine, Sinai Health System
Classification: Uncertain significance for Malignant tumor of breast. Review status: no assertion criteria provided. Collection method: clinical testing. Allele origin: unknown. Affected: yes. Observed: 1 variant allele. Study: The Canadian Open Genetics Repository (COGR). Not counted in ClinVar's aggregate classification.
Comment: The p.Leu419Val variant has been reported in the literature in 1 of 546 proband chromosomes in an individual with breast cancer with late onset (Carney_2010). However, population controls were not included in this study, and so the prevalence of this variant in the general population is not known. The p.Leu419 residue is not well conserved in mammals and computational analyses (SIFT, Polyphen, AlignGVGD) provide inconsistent predictions regarding the impact to the protein. But this information is not very predictive of pathogenicity. In summary, based on the above information, the clinical significance of this variant cannot be determined with certainty at this time. This variant is classified as a variant of unknown significance.

Literature cited by the submitters: PubMed 21218378 (cited by 4 submitters); PubMed 28364669 (cited by 3 submitters); PubMed 31853058 (cited by Color Diagnostics, LLC DBA Color Health); PubMed 33471991 (cited by Color Diagnostics, LLC DBA Color Health and All of Us Research Program, National Institutes of Health).

NM_007294.4(BRCA1):c.1255G>C (p.Val419Leu)

Gene: BRCA1 (BRCA1 DNA repair associated; minus strand). Cytogenetic location: 17q21.31.
Variant type: single nucleotide variant.
Coding change: c.1255G>C on transcript NM_007294.4 (MANE Select); coding-DNA position 1255, G replaced by C.
Protein change: p.Val419Leu; replaces valine 419 with leucine.
Molecular consequence: missense variant. On other transcripts: intron variant (137).
Genome position (GRCh38, 1-based): chr17:43,094,276, C>G on the plus strand (G>C on the coding strand, the complement: BRCA1 is on the minus strand). VCF-style: chr17-43094276-C-G. GRCh37 (hg19) VCF-style: chr17-41246293-C-G.
Other names: c.1042G>C, p.Val348Leu (NM_001407571.1, NM_001407915.1, NM_001407853.1 and 9 more transcripts); c.1255G>C, p.Val419Leu (NM_001407581.1, NM_001407582.1, NM_001407583.1 and 30 more transcripts); c.1252G>C, p.Val418Leu (NM_001407587.1, NM_001407590.1, NM_001407591.1 and 22 more transcripts); c.1129G>C, p.Val377Leu (NM_001407649.1, NM_001407670.1, NM_001407671.1 and 11 more transcripts); c.1177G>C, p.Val393Leu (NM_001407653.1, NM_001407654.1, NM_001407655.1 and 4 more transcripts); c.1174G>C, p.Val392Leu (NM_001407659.1, NM_001407660.1, NM_001407661.1 and 1 more transcripts); c.1132G>C, p.Val378Leu (NM_001407674.1, NM_001407675.1, NM_001407676.1 and 19 more transcripts); c.1114G>C, p.Val372Leu (NM_001407692.1, NM_001407694.1, NM_001407695.1 and 29 more transcripts); and 40 more; short protein forms V419L, V372L, V352L, V371L, V393L, V291L, V308L, V330L.
Identifiers: ClinVar variation 230967 (VCV000230967.28), dbSNP rs876658873, ClinGen allele CA10580672.
Genomic context (GRCh38, chr17:43,094,276, plus strand): 5'-CCTCATGAGGATCACTGGCCAGTAAGTCTATTTTCTCTGAAGAACCAGAATATTCATCTA[C>G]CTCATTTAGAACGTCCAATACATCAGCTACTTTGGCATTTGATTCAGACTCCCCATCATG-3'
Protein context (NP_009225.1, residues 409-429): VADVLDVLNE[Val419Leu]DEYSGSSEKI